The following is an entry in ClinVar:

ClinVar aggregate classification (germline): Uncertain significance (1 of 4 stars; one submission).

Submission:

GeneDx
Classification: Uncertain significance. Last evaluated: 2021-06-30. Review status: criteria provided, single submitter. Criteria: GeneDx Variant Classification Process June 2021. Collection method: clinical testing. Allele origin: germline. Affected: yes.
Comment: Has not been previously published as pathogenic or benign to our knowledge; Not observed at significant frequency in large population cohorts (Lek et al., 2016); In silico analysis supports a deleterious effect on protein structure/function; In-frame deletion of 2 amino acids in a non-repeat region; This variant is associated with the following publications: (PMID: 27535533)

NM_000257.4(MYH7):c.5743_5748del (p.Ser1915_Gln1916del)

Gene: MYH7 (myosin heavy chain 7; minus strand). Cytogenetic location: 14q11.2.
Variant type: Deletion.
Coding change: c.5743_5748del on transcript NM_000257.4 (MANE Select); coding-DNA positions 5743 to 5748, 6 bases deleted (TCCCAG; older notation c.5743_5748delTCCCAG).
Protein change: p.Ser1915_Gln1916del.
Molecular consequence: inframe deletion.
Genome position (GRCh38, 1-based): chr14:23,413,801-23,413,806, CTGGGA deleted on the plus strand (TCCCAG on the coding strand, the reverse complement: MYH7 is on the minus strand); deleting any 6 consecutive bases within chr14:23,413,801-23,413,808 gives the same sequence; the c. name uses the placement nearest the transcript's 3' end. VCF-style (leftmost placement, unchanged base first): chr14-23413800-CCTGGGA-C. GRCh37 (hg19) VCF-style: chr14-23883009-CCTGGGA-C.
Identifiers: ClinVar variation 1331293 (VCV001331293.2), dbSNP rs2138635146, ClinGen allele CA2573053875.
Genomic context (GRCh38, chr14:23,413,800, plus strand): 5'-GCCCAAAAGAGGGACCCACCTTCGTGCCAATGTCACGGCTCTTGGCCCGCAGCTTGTTGA[CCTGGGA>C]CTCGGCGATGTCCGCCCGCTCCTCTGCCTCATCCAGCTCGTGCTGCACCTTGCGGAACTT-3'